The following is an entry in ClinVar:

ClinVar aggregate classification (germline): Likely benign (0 of 4 stars; one submission).

Conditions:
DNHD1-related disorder. Also called: DNHD1-related condition.

Allele frequency attached by ClinVar (database versions not stated): gnomAD exomes 0.00007; ExAC 0.00017; 1000 Genomes Project 30x 0.00031; 1000 Genomes Project 0.00040; ESP Exome Variant Server 0.00049; gnomAD 0.00062; TOPMed 0.00073.
gnomAD v4.1: 214 of 1,595,962 alleles (0.013%); highest among the groups gnomAD compares: African/African-American, 0.22%; no homozygotes.

Submission:

PreventionGenetics, part of Exact Sciences
Classification: Likely benign for DNHD1-related condition. Last evaluated: 2019-12-02. Review status: no assertion criteria provided. Collection method: clinical testing. Allele origin: germline.
Comment: This variant is classified as likely benign based on ACMG/AMP sequence variant interpretation guidelines (Richards et al. 2015 PMID: 25741868, with internal and published modifications).

NM_144666.3(DNHD1):c.14261G>A (p.Ter4754=)

Gene: DNHD1 (dynein heavy chain domain 1; plus strand). Cytogenetic location: 11p15.4.
Variant type: single nucleotide variant.
Coding change: c.14261G>A on transcript NM_144666.3 (MANE Select); coding-DNA position 14261, G replaced by A.
Protein change: p.Ter4754=.
Molecular consequence: synonymous variant.
Genome position (GRCh38, 1-based): chr11:6,571,985, G>A. VCF-style: chr11-6571985-G-A. GRCh37 (hg19) VCF-style: chr11-6593215-G-A.
Identifiers: ClinVar variation 3048260 (VCV003048260.2), dbSNP rs148885650, ClinGen allele CA5857352.